The following is an entry in ClinVar:

ClinVar aggregate classification (germline): Uncertain significance (1 of 4 stars; one submission).

Conditions:
Alstrom syndrome (ALMS). Identifiers: Orphanet 64, MedGen C0268425, MONDO:0008763, OMIM 203800.

gnomAD v4.1: 1 of 1,613,226 alleles (0.000062%); highest among the groups gnomAD compares: Admixed American, 0.0017%; no homozygotes.

Submission:

Labcorp Genetics (formerly Invitae), Labcorp
Classification: Uncertain significance for Alstrom syndrome. Last evaluated: 2025-06-03. Review status: criteria provided, single submitter. Criteria: Invitae Variant Classification Sherloc (09022015). Collection method: clinical testing. Allele origin: germline.
Comment: This sequence change replaces lysine, which is basic and polar, with glutamic acid, which is acidic and polar, at codon 152 of the ALMS1 protein (p.Lys152Glu). This variant is not present in population databases (gnomAD no frequency). This variant has not been reported in the literature in individuals affected with ALMS1-related conditions. An algorithm developed to predict the effect of missense changes on protein structure and function outputs the following: PolyPhen-2: "Not Available". The glutamic acid amino acid residue is found in multiple mammalian species, which suggests that this missense change does not adversely affect protein function. In summary, the available evidence is currently insufficient to determine the role of this variant in disease. Therefore, it has been classified as a Variant of Uncertain Significance.

NM_001378454.1(ALMS1):c.451A>G (p.Lys151Glu)

Gene: ALMS1 (ALMS1 centrosome and basal body associated protein; plus strand). Cytogenetic location: 2p13.1.
Variant type: single nucleotide variant.
Coding change: c.451A>G on transcript NM_001378454.1 (MANE Select); coding-DNA position 451, A replaced by G.
Protein change: p.Lys151Glu; replaces lysine 151 with glutamic acid.
Molecular consequence: missense variant.
Genome position (GRCh38, 1-based): chr2:73,419,123, A>G. VCF-style: chr2-73419123-A-G. GRCh37 (hg19) VCF-style: chr2-73646251-A-G.
Other names: c.454A>G, p.Lys152Glu (NM_015120.4); short protein forms K151E, K152E.
Identifiers: ClinVar variation 4754366 (VCV004754366.1).
Genomic context (GRCh38, chr2:73,419,123, plus strand): 5'-ATTAATATGTATGGTAACTCAGTTAATGACTTAGCATGTTTTCCTTTAACATTTTTCTAG[A>G]AAACAGAATCTTGGCATTGTCTTCCTCAAGAAATGGACTCTTCCCAAACCTTGGATACAT-3'
Protein context (NP_001365383.1, residues 141-161): TAQRGSGDDQ[Lys151Glu]TESWHCLPQE